The following is an entry in ClinVar:

ClinVar aggregate classification (germline): Conflicting classifications of pathogenicity. Review status: criteria provided, conflicting classifications (1 of 4 stars). 2 submissions from 2 submitters: Likely pathogenic (1); Uncertain significance (1). Last evaluated 2024-07-24.

Conditions:
Hypertrophic cardiomyopathy 11. Also called: ACTC1-Related Familial Hypertrophic Cardiomyopathy. Identifiers: MedGen C2677506, MONDO:0012799, OMIM 612098.
Dilated cardiomyopathy 1R (CMD1R). Identifiers: Orphanet 154, Orphanet 54260, MedGen C3150681, MONDO:0013261, OMIM 613424.
Atrial septal defect 5 (ASD5). Identifiers: Orphanet 1478, MedGen C2748552, MONDO:0013011, OMIM 612794.
Cardiovascular phenotype. Identifiers: MedGen CN230736.

Submissions (2):

Labcorp Genetics (formerly Invitae), Labcorp
Classification: Uncertain significance for Dilated cardiomyopathy 1R; Hypertrophic cardiomyopathy 11; Atrial septal defect 5. Last evaluated: 2024-07-24. Review status: criteria provided, single submitter. Criteria: Invitae Variant Classification Sherloc (09022015). Collection method: clinical testing. Allele origin: germline.
Comment: This sequence change replaces glycine, which is neutral and non-polar, with serine, which is neutral and polar, at codon 50 of the ACTC1 protein (p.Gly50Ser). This variant is not present in population databases (gnomAD no frequency). This missense change has been observed in individual(s) with hypertrophic cardiomyopathy (PMID: 29907873). ClinVar contains an entry for this variant (Variation ID: 520472). Advanced modeling of protein sequence and biophysical properties (such as structural, functional, and spatial information, amino acid conservation, physicochemical variation, residue mobility, and thermodynamic stability) performed at Invitae indicates that this missense variant is not expected to disrupt ACTC1 protein function with a negative predictive value of 80%. In summary, the available evidence is currently insufficient to determine the role of this variant in disease. Therefore, it has been classified as a Variant of Uncertain Significance.

Molecular Diagnostic Laboratory for Inherited Cardiovascular Disease, Montreal Heart Institute
Classification: Likely pathogenic for Cardiovascular phenotype. Last evaluated: 2024-03-22. Review status: criteria provided, single submitter. Criteria: ACMG Guidelines, 2015. Collection method: clinical testing. Allele origin: germline. Affected: yes.
Comment: PM2, PS4_supp, PP1, PP2, PP3

Literature cited by the submitters: PubMed 29907873 (cited by Labcorp Genetics (formerly Invitae), Labcorp).

NM_005159.5(ACTC1):c.148G>A (p.Gly50Ser)

Genes: ACTC1 (actin alpha cardiac muscle 1; minus strand), GJD2-DT (GJD2 divergent transcript; plus strand). Cytogenetic location: 15q14.
Variant type: single nucleotide variant.
Coding change: c.148G>A on transcript NM_005159.5 (MANE Select); coding-DNA position 148, G replaced by A.
Protein change: p.Gly50Ser; replaces glycine 50 with serine.
Molecular consequence: missense variant.
Genome position (GRCh38, 1-based): chr15:34,793,551, C>T on the plus strand (G>A on the coding strand, the complement: ACTC1 is on the minus strand). VCF-style: chr15-34793551-C-T. GRCh37 (hg19) VCF-style: chr15-35085752-C-T.
Other names: c.148G>A (LRG_388t1); short protein forms G50S.
Identifiers: ClinVar variation 520472 (VCV000520472.6), dbSNP rs1555418921, ClinGen allele CA391632221.
Genomic context (GRCh38, chr15:34,793,551, plus strand): 5'-TCAGGGTCAGGATGCCTCTCTTGCTCTGGGCTTCATCACCTACGTAGGAGTCCTTCTGAC[C>T]CATACCCACCATAACTCCCTATGAGAAGAAAAAATGAGAAAATCATGCTCTCACCATGTC-3'
Protein context (NP_005150.1, residues 40-60): PRHQGVMVGM[Gly50Ser]QKDSYVGDEA